The following is an entry in ClinVar:

NM_001164508.2(NEB):c.18909C>A (p.Asp6303Glu)

Gene: NEB (nebulin; minus strand). Cytogenetic location: 2q23.3.
Variant type: single nucleotide variant.
Coding change: c.18909C>A on transcript NM_001164508.2 (MANE Select); coding-DNA position 18909, C replaced by A.
Protein change: p.Asp6303Glu; replaces aspartic acid 6303 with glutamic acid.
Molecular consequence: missense variant.
Genome position (GRCh38, 1-based): chr2:151,562,197, G>T on the plus strand (C>A on the coding strand, the complement: NEB is on the minus strand). VCF-style: chr2-151562197-G-T. GRCh37 (hg19) VCF-style: chr2-152418711-G-T.
Other names: c.13806C>A (NM_004543.4); c.18909C>A, p.Asp6303Glu (NM_001164507.2, NM_001271208.2); c.13806C>A, p.Asp4602Glu (NM_004543.5); short protein forms D6303E, D4602E.
Identifiers: ClinVar variation 2147167 (VCV002147167.30), dbSNP rs1174034773, ClinGen allele CA348797136.

ClinVar aggregate classification (germline): Uncertain significance. Review status: criteria provided, multiple submitters, no conflicts (2 of 4 stars). 4 submissions from 4 submitters: Uncertain significance (4). Last evaluated 2023-10-01.

Conditions:
Nemaline myopathy 2 (NEM2). Also called: Nemaline myopathy 2, autosomal recessive. Identifiers: MedGen C1850569, MONDO:0009725, OMIM 256030.
Inborn genetic diseases. Identifiers: MedGen C0950123, MeSH D030342.

Allele frequency attached by ClinVar (database versions not stated): gnomAD 0.00001; gnomAD exomes 0.00001; TOPMed 0.00001.
gnomAD v4.1: 15 of 1,612,400 alleles (0.00093%); highest among the groups gnomAD compares: African/African-American, 0.0027%; no homozygotes.

Submissions (4):

CeGaT Center for Human Genetics Tuebingen
Classification: Uncertain significance. Last evaluated: 2023-10-01. Review status: criteria provided, single submitter. Criteria: CeGaT Center For Human Genetics Tuebingen Variant Classification Criteria Version 2. Collection method: clinical testing. Allele origin: germline. Affected: yes. Observed: 1 variant allele.

Ambry Genetics
Classification: Uncertain significance for Inborn genetic diseases. Last evaluated: 2023-02-15. Review status: criteria provided, single submitter. Criteria: Ambry Variant Classification Scheme 2023. Collection method: clinical testing. Allele origin: germline.

Labcorp Genetics (formerly Invitae), Labcorp
Classification: Uncertain significance for Nemaline myopathy 2. Last evaluated: 2022-03-18. Review status: criteria provided, single submitter. Criteria: Invitae Variant Classification Sherloc (09022015). Collection method: clinical testing. Allele origin: germline.
Comment: This sequence change replaces aspartic acid, which is acidic and polar, with glutamic acid, which is acidic and polar, at codon 6303 of the NEB protein (p.Asp6303Glu). This variant is present in population databases (no rsID available, gnomAD 0.002%). This variant has not been reported in the literature in individuals affected with NEB-related conditions. Algorithms developed to predict the effect of missense changes on protein structure and function are either unavailable or do not agree on the potential impact of this missense change (SIFT: "Deleterious"; PolyPhen-2: "Not Available"; Align-GVGD: "Class C0"). In summary, the available evidence is currently insufficient to determine the role of this variant in disease. Therefore, it has been classified as a Variant of Uncertain Significance.

Revvity Omics, Revvity
Classification: Uncertain significance. Last evaluated: 2019-09-04. Review status: criteria provided, single submitter. Criteria: ACMG Guidelines, 2015. Collection method: clinical testing. Allele origin: germline.